The following is an entry in ClinVar:

NM_000632.4(ITGAM):c.1217A>G (p.Tyr406Cys)

Gene: ITGAM (integrin subunit alpha M; plus strand). Cytogenetic location: 16p11.2.
Variant type: single nucleotide variant.
Coding change: c.1217A>G on transcript NM_000632.4 (MANE Select); coding-DNA position 1217, A replaced by G.
Protein change: p.Tyr406Cys; replaces tyrosine 406 with cysteine.
Molecular consequence: missense variant.
Genome position (GRCh38, 1-based): chr16:31,277,970, A>G. VCF-style: chr16-31277970-A-G. GRCh37 (hg19) VCF-style: chr16-31289291-A-G.
Other names: c.1217A>G, p.Tyr406Cys (NM_001145808.2); short protein forms Y406C.
Identifiers: ClinVar variation 1363970 (VCV001363970.8), dbSNP rs2144314435, ClinGen allele CA395701692.

ClinVar aggregate classification (germline): Uncertain significance (1 of 4 stars; one submission).

Submission:

Labcorp Genetics (formerly Invitae), Labcorp
Classification: Uncertain significance. Last evaluated: 2022-03-19. Review status: criteria provided, single submitter. Criteria: Invitae Variant Classification Sherloc (09022015). Collection method: clinical testing. Allele origin: germline.
Comment: In summary, the available evidence is currently insufficient to determine the role of this variant in disease. Therefore, it has been classified as a Variant of Uncertain Significance. Algorithms developed to predict the effect of missense changes on protein structure and function (SIFT, PolyPhen-2, Align-GVGD) all suggest that this variant is likely to be disruptive. This sequence change replaces tyrosine, which is neutral and polar, with cysteine, which is neutral and slightly polar, at codon 406 of the ITGAM protein (p.Tyr406Cys). This variant is not present in population databases (gnomAD no frequency). This variant has not been reported in the literature in individuals affected with ITGAM-related conditions.